The following is an entry in ClinVar:

ClinVar aggregate classification (germline): Likely pathogenic (1 of 4 stars; one submission).

Conditions:
Intellectual disability. Also called: Intellectual functioning disability; intellectual disabilities; Intellectual developmental disorder. Identifiers: MedGen C3714756, MeSH D008607, MONDO:0001071, HP:0001249.

Submission:

Keimyung University Dongsan Hospital, Keimyung University School of Medicine
Classification: Likely pathogenic for Intellectual disability. Last evaluated: 2025-11-25. Review status: criteria provided, single submitter. Criteria: ACMG/ClinGen CNV Guidelines, 2019. Collection method: clinical testing. Allele origin: germline. Inheritance: Autosomal dominant inheritance. Affected: yes. Observed: 1 heterozygote.
Comment: This 16.2 Mb duplication at 12q24.22–q24.33 was identified by chromosomal microarray. Large duplications >10 Mb with consistent clinical features meet ACMG CNV criteria for Likely Pathogenic.

GRCh37/hg19 12q24.22-24.33(chr12:117533207-133777902)x3

Genes: COQ5 (coenzyme Q5, methyltransferase; minus strand), RILPL1 (Rab interacting lysosomal protein like 1; minus strand), RILPL2 (Rab interacting lysosomal protein like 2; minus strand), RIMBP2 (RIMS binding protein 2; minus strand), SRRM4 (serine/arginine repetitive matrix 4; plus strand) and 130 more. Cytogenetic location: 12q24.22-24.33.
Variant type: copy number gain.
Change: copy number 3 (three copies instead of two) of chr12:117,533,207-133,777,902 (16.24 Mb, GRCh37 coordinates, 1-based), cytogenetic band 12q24.22-24.33.
Identifiers: ClinVar variation 4532272 (VCV004532272.1).